The following is an entry in ClinVar:

ClinVar aggregate classification (germline): Uncertain significance (1 of 4 stars; one submission).

gnomAD v4.1: 7 of 1,612,574 alleles (0.00043%); highest among the groups gnomAD compares: Admixed American, 0.0017%; no homozygotes.

Submission:

Labcorp Genetics (formerly Invitae), Labcorp
Classification: Uncertain significance. Last evaluated: 2025-05-02. Review status: criteria provided, single submitter. Criteria: Invitae Variant Classification Sherloc (09022015). Collection method: clinical testing. Allele origin: germline.
Comment: This sequence change replaces arginine, which is basic and polar, with glutamine, which is neutral and polar, at codon 674 of the CLCN6 protein (p.Arg674Gln). This variant is present in population databases (rs374721794, gnomAD 0.007%). This variant has not been reported in the literature in individuals affected with CLCN6-related conditions. ClinVar contains an entry for this variant (Variation ID: 3710183). An algorithm developed to predict the effect of missense changes on protein structure and function (PolyPhen-2) suggests that this variant is likely to be disruptive. In summary, the available evidence is currently insufficient to determine the role of this variant in disease. Therefore, it has been classified as a Variant of Uncertain Significance.

NM_001286.5(CLCN6):c.2021G>A (p.Arg674Gln)

Gene: CLCN6 (Cl-/H+ antiporter 6; plus strand). Cytogenetic location: 1p36.22.
Variant type: single nucleotide variant.
Coding change: c.2021G>A on transcript NM_001286.5 (MANE Select); coding-DNA position 2021, G replaced by A.
Protein change: p.Arg674Gln; replaces arginine 674 with glutamine.
Molecular consequence: missense variant. On other transcripts: non-coding transcript variant (1).
Genome position (GRCh38, 1-based): chr1:11,837,039, G>A. VCF-style: chr1-11837039-G-A. GRCh37 (hg19) VCF-style: chr1-11897096-G-A.
Other names: c.1955G>A, p.Arg652Gln (NM_001256959.2); short protein forms R652Q, R674Q.
Identifiers: ClinVar variation 3710183 (VCV003710183.2).